The following is an entry in ClinVar:

NM_152327.5(AK7):c.690+1G>T

Gene: AK7 (adenylate kinase 7; plus strand). Cytogenetic location: 14q32.2.
Variant type: single nucleotide variant.
Coding change: c.690+1G>T on transcript NM_152327.5 (MANE Select); the canonical splice donor site of the intron after coding-DNA position 690, G replaced by T.
Molecular consequence: splice donor variant.
Genome position (GRCh38, 1-based): chr14:96,437,916, G>T. VCF-style: chr14-96437916-G-T. GRCh37 (hg19) VCF-style: chr14-96904253-G-T.
Other names: c.690+1G>T (NM_001350888.2, NM_001350890.2, NM_001350892.2 and 1 more transcripts).
Identifiers: ClinVar variation 4845715 (VCV004845715.1).
Genomic context (GRCh38, chr14:96,437,916, plus strand): 5'-GTAGTTGCTGCTGGACTCCAGTATGGAGCGGAAGGAGGCATGTTACACACATTTTTTAAG[G>T]TATGGCTTTCAATGATGACGTGGAATGTTTAAAAGTGTCTTACGATACAGATACGCAATT-3'

ClinVar aggregate classification (germline): Likely pathogenic (1 of 4 stars; one submission).

Conditions:
Spermatogenic failure 27. Identifiers: MedGen C4693784, MONDO:0054731, OMIM 617965.

gnomAD v4.1: 1 of 1,612,658 alleles (0.000062%); highest among the groups gnomAD compares: Non-Finnish European, 0.000085%; no homozygotes.

Submission:

First Genomix Gene Laboratory, Genetic Diagnostics Department
Classification: Likely pathogenic for Spermatogenic failure 27. Last evaluated: 2025-01-28. Review status: criteria provided, single submitter. Criteria: ACMG Guidelines, 2015. Collection method: clinical testing. Allele origin: germline. Inheritance: Autosomal recessive inheritance. Affected: no. Observed: 1 variant allele.